The following is an entry in ClinVar:

ClinVar aggregate classification (germline): Uncertain significance (1 of 4 stars; one submission).

Conditions:
Hereditary cancer-predisposing syndrome. Also called: Hereditary Cancer Syndrome; Hereditary neoplastic syndrome; Neoplastic Syndromes, Hereditary; Tumor predisposition. Identifiers: Orphanet 140162, MedGen C0027672, MeSH D009386, MONDO:0015356.

gnomAD v4.1: 3 of 1,612,998 alleles (0.00019%); highest among the groups gnomAD compares: Non-Finnish European, 0.00025%; no homozygotes.

Submission:

Ambry Genetics
Classification: Uncertain significance for Hereditary cancer-predisposing syndrome. Last evaluated: 2024-05-28. Review status: criteria provided, single submitter. Criteria: Ambry Variant Classification Scheme 2023. Collection method: clinical testing. Allele origin: germline.
Comment: The p.P41L variant (also known as c.122C>T), located in coding exon 1 of the CDKN2A gene, results from a C to T substitution at nucleotide position 122. The proline at codon 41 is replaced by leucine, an amino acid with similar properties. This amino acid position is not well conserved in available vertebrate species. In addition, this alteration is predicted to be tolerated by in silico analysis. Based on the available evidence, the clinical significance of this variant remains unclear.

NM_000077.5(CDKN2A):c.122C>T (p.Pro41Leu)

Gene: CDKN2A (cyclin dependent kinase inhibitor 2A; minus strand). Cytogenetic location: 9p21.3.
Variant type: single nucleotide variant.
Coding change: c.122C>T on transcript NM_000077.5; coding-DNA position 122, C replaced by T.
Protein change: p.Pro41Leu; replaces proline 41 with leucine.
Molecular consequence: missense variant (on NM_000077.6). On other transcripts: intron variant (2).
Genome position (GRCh38, 1-based): chr9:21,974,706, G>A on the plus strand (C>T on the coding strand, the complement: CDKN2A is on the minus strand). VCF-style: chr9-21974706-G-A. GRCh37 (hg19) VCF-style: chr9-21974705-G-A.
Other names: c.122C>T, p.Pro41Leu (NM_000077.6, NM_001195132.2, NM_058197.5); c.-3-3498C>T (NM_001363763.2); c.194-3498C>T (NM_058195.4); short protein forms P41L.
Identifiers: ClinVar variation 1755177 (VCV001755177.3), dbSNP rs373407950, ClinGen allele CA373086526.
Genomic context (GRCh38, chr9:21,974,706, plus strand): 5'-TCCCCTGCTCCCGCTGCAGACCCTCTACCCACCTGGATCGGCCTCCGACCGTAACTATTC[G>A]GTGCGTTGGGCAGCGCCCCCGCCTCCAGCAGCGCCCGCACCTCCTCTACCCGACCCCGGG-3'
Protein context (NP_000068.1, residues 31-51): LLEAGALPNA[Pro41Leu]NSYGRRPIQV